The following is an entry in ClinVar:

ClinVar aggregate classification (germline): Uncertain significance. Review status: criteria provided, multiple submitters, no conflicts (2 of 4 stars). 2 submissions from 2 submitters: Uncertain significance (2). Last evaluated 2023-08-15.

Conditions:
Catecholaminergic polymorphic ventricular tachycardia 1. Also called: RYR2-Related Catecholaminergic Polymorphic Ventricular Tachycardia; VENTRICULAR TACHYCARDIA, CATECHOLAMINERGIC POLYMORPHIC, 1, WITH OR WITHOUT ATRIAL DYSFUNCTION AND/OR DILATED CARDIOMYOPATHY; VENTRICULAR TACHYCARDIA, STRESS-INDUCED POLYMORPHIC 1. Identifiers: Orphanet 3286, MedGen C1631597, MONDO:0011484, OMIM 604772.
Catecholaminergic polymorphic ventricular tachycardia (CVPT). Also called: Catecholamine-induced polymorphic ventricular tachycardia. Identifiers: Orphanet 3286, MedGen C5574922, MONDO:0017990.

Allele frequency attached by ClinVar (database versions not stated): gnomAD exomes below 0.00001; gnomAD 0.00001.
gnomAD v4.1: 3 of 1,606,890 alleles (0.00019%); highest among the groups gnomAD compares: Middle Eastern, 0.017%; no homozygotes.

Submissions (2):

All of Us Research Program, National Institutes of Health
Classification: Uncertain significance for Catecholaminergic polymorphic ventricular tachycardia. Last evaluated: 2023-08-15. Review status: criteria provided, single submitter. Criteria: ACMG Guidelines, 2015. Collection method: clinical testing. Allele origin: germline. Inheritance: Autosomal dominant inheritance. Observed: 1 variant allele, 1 heterozygote.
Comment: This variant is located in the RYR2 protein. To our knowledge, functional studies have not been reported for this variant. This variant has not been reported in individuals affected with RYR2-related disorders in the literature. This variant has not been identified in the general population by the Genome Aggregation Database (gnomAD). The available evidence is insufficient to determine the role of this variant in disease conclusively. Therefore, this variant is classified as a Variant of Uncertain Significance.

This study involves interpretation of variants in research participants for the purpose of population health screening. Participant phenotype was not available at the time of variant classification. Additional details can be found in publication PMID: 35346344, PMCID: PMC8962531

Labcorp Genetics (formerly Invitae), Labcorp
Classification: Uncertain significance for Catecholaminergic polymorphic ventricular tachycardia 1. Last evaluated: 2020-09-03. Review status: criteria provided, single submitter. Criteria: Invitae Variant Classification Sherloc (09022015). Collection method: clinical testing. Allele origin: germline.
Comment: In summary, the available evidence is currently insufficient to determine the role of this variant in disease. Therefore, it has been classified as a Variant of Uncertain Significance. Nucleotide substitutions within the consensus splice site are a relatively common cause of aberrant splicing (PMID: 17576681, 9536098). Algorithms developed to predict the effect of sequence changes on RNA splicing suggest that this variant may disrupt the consensus splice site, but this prediction has not been confirmed by published transcriptional studies. This variant has not been reported in the literature in individuals with RYR2-related conditions. This variant is not present in population databases (ExAC no frequency). This sequence change affects codon 2504 of the RYR2 mRNA. It is a 'silent' change, meaning that it does not change the encoded amino acid sequence of the RYR2 protein. This variant also falls at the last nucleotide of exon 49 of the RYR2 coding sequence, which is part of the consensus splice site for this exon.

Literature cited by the submitters: PubMed 17576681 (cited by Labcorp Genetics (formerly Invitae), Labcorp); PubMed 9536098 (cited by Labcorp Genetics (formerly Invitae), Labcorp).

NM_001035.3(RYR2):c.7512G>A (p.Thr2504=)

Gene: RYR2 (ryanodine receptor 2; plus strand). Cytogenetic location: 1q43.
Variant type: single nucleotide variant.
Coding change: c.7512G>A on transcript NM_001035.3 (MANE Select); coding-DNA position 7512, G replaced by A.
Protein change: p.Thr2504=; no amino-acid change (threonine 2504 retained).
Molecular consequence: synonymous variant.
Genome position (GRCh38, 1-based): chr1:237,648,613, G>A. VCF-style: chr1-237648613-G-A. GRCh37 (hg19) VCF-style: chr1-237811913-G-A.
Identifiers: ClinVar variation 1005645 (VCV001005645.47), dbSNP rs1682411061, ClinGen allele CA423819780.